The following is an entry in ClinVar:

NM_004937.3(CTNS):c.1015G>A (p.Gly339Arg)

Gene: CTNS (cystinosin, lysosomal cystine transporter; plus strand). Cytogenetic location: 17p13.2.
Variant type: single nucleotide variant.
Coding change: c.1015G>A on transcript NM_004937.3 (MANE Select); coding-DNA position 1015, G replaced by A.
Protein change: p.Gly339Arg; replaces glycine 339 with arginine.
Molecular consequence: missense variant.
Genome position (GRCh38, 1-based): chr17:3,660,280, G>A. VCF-style: chr17-3660280-G-A. GRCh37 (hg19) VCF-style: chr17-3563574-G-A.
Other names: c.1015G>A, p.Gly339Arg (NM_001031681.3, NM_001374492.1); c.574G>A, p.Gly192Arg (NM_001374493.1, NM_001374494.1, NM_001374495.1 and 1 more transcripts); c.1015G>A (NM_001031681.2); short protein forms G339R, G192R.
Identifiers: ClinVar variation 4455 (VCV000004455.30), dbSNP rs121908127, ClinGen allele CA278067.
Genomic context (GRCh38, chr17:3,660,280, plus strand): 5'-CCCCGGCTGCTAACAGACCAGTGGACGCTGATCTTCGGAGACCCAACCAAGTTTGGACTC[G>A]GGGTCTTCTCCATCGTCTTCGACGTCGTCTTCTTCATCCAGCACTTCTGTTTGTACAGAA-3'
Protein context (NP_004928.2, residues 329-349): IFGDPTKFGL[Gly339Arg]VFSIVFDVVF

ClinVar aggregate classification (germline): Pathogenic. Review status: criteria provided, multiple submitters, no conflicts (2 of 4 stars). 14 submissions from 14 submitters: Pathogenic (11). 3 of the submissions do not count toward it. Last evaluated 2026-01-21.

Conditions:
Nephropathic cystinosis (CTNS). Also called: CYSTINOSIN, DEFECT OF; LYSOSOMAL CYSTINE TRANSPORT PROTEIN, DEFECT OF; Abderhalden Lignac Kaufmann disease; Abderhalden-Kaufmann-Lignac syndrome. Identifiers: Orphanet 213, Orphanet 411629, MedGen C2931187, MONDO:0100151, OMIM 219800.
Ocular cystinosis. Also called: Non-Nephropathic (Ocular) Cystinosis; Non-Nephropathic Cystinosis. Identifiers: Orphanet 213, Orphanet 411641, MedGen C2931013, MONDO:0009064, OMIM 219750.
Juvenile nephropathic cystinosis. Also called: Later-Onset (Juvenile) Cystinosis; CYSTINOSIS, LATE-ONSET JUVENILE OR ADOLESCENT NEPHROPATHIC TYPE; Intermediate Cystinosis. Identifiers: Orphanet 213, Orphanet 411634, MedGen C0268626, MONDO:0009066, OMIM 219900.
Cystinosis. Also called: Cystine diathesis; Cystine storage disease; Cystinoses. Identifiers: Orphanet 213, MedGen C4316899, MONDO:0016239.
Inborn genetic diseases. Identifiers: MedGen C0950123, MeSH D030342.
CTNS-related disorder. Also called: CTNS-related condition.

Allele frequency attached by ClinVar (database versions not stated): gnomAD exomes 0.00003; TOPMed 0.00004; gnomAD 0.00003 and 0.00004; ExAC 0.00004.
gnomAD v4.1: 48 of 1,614,118 alleles (0.003%); highest among the groups gnomAD compares: Non-Finnish European, 0.0036%; no homozygotes.

Submissions (14):

Natera, Inc.
Classification: Pathogenic for Cystinosis. Last evaluated: 2026-01-21. Review status: criteria provided, single submitter. Criteria: Natera Variant Classification Schema (03/2026). Collection method: clinical testing. Allele origin: germline.
Comment: The c.1015G>A variant in CTNS is a missense variant predicted to cause substitution of glycine to arginine at amino acid 339. This variant is rare in the general population with a frequency below the threshold expected for the associated phenotype(s). This variant has been observed in one or more individuals affected with the associated recessive disease, as either homozygous or compound heterozygous with a second variant (PMID: 35571017). Given the available evidence, this variant is classified as Pathogenic.

Labcorp Genetics (formerly Invitae), Labcorp
Classification: Pathogenic for Inborn genetic diseases; Ocular cystinosis; Juvenile nephropathic cystinosis. Last evaluated: 2026-01-20. Review status: criteria provided, single submitter. Criteria: Invitae Variant Classification Sherloc (09022015). Collection method: clinical testing. Allele origin: germline.
Comment: This sequence change replaces glycine, which is neutral and non-polar, with arginine, which is basic and polar, at codon 339 of the CTNS protein (p.Gly339Arg). This variant is present in population databases (rs121908127, gnomAD 0.005%). This missense change has been observed in individuals with cystinosis (PMID: 11565547, 12204010, 12825071, 21786142, 23640116). It has also been observed to segregate with disease in related individuals. ClinVar contains an entry for this variant (Variation ID: 4455). Invitae Evidence Modeling of protein sequence and biophysical properties (such as structural, functional, and spatial information, amino acid conservation, physicochemical variation, residue mobility, and thermodynamic stability) indicates that this missense variant is expected to disrupt CTNS protein function with a positive predictive value of 80%. Experimental studies have shown that this missense change affects CTNS function (PMID: 15128704). For these reasons, this variant has been classified as Pathogenic.

GeneDx
Classification: Pathogenic. Last evaluated: 2024-10-08. Review status: criteria provided, single submitter. Criteria: GeneDx Variant Classification Process June 2021. Collection method: clinical testing. Allele origin: germline. Affected: yes.
Comment: Published functional studies demonstrate a damaging effect on protein function (PMID: 15128704); Not observed at significant frequency in large population cohorts (gnomAD); In silico analysis supports that this missense variant has a deleterious effect on protein structure/function; This variant is associated with the following publications: (PMID: 28276207, 31570786, 34426522, 31589614, 35571017, 19863563, 11565547, 12442267, 12204010, 24464559, 21786142, 9792862, 10556299, 23640116, 15128704, 12825071)

Revvity Omics, Revvity
Classification: Pathogenic. Last evaluated: 2024-07-24. Review status: criteria provided, single submitter. Criteria: ACMG Guidelines, 2015. Collection method: clinical testing. Allele origin: germline.

Fulgent Genetics
Classification: Pathogenic for Ocular cystinosis; Nephropathic cystinosis; Juvenile nephropathic cystinosis. Last evaluated: 2024-06-18. Review status: criteria provided, single submitter. Criteria: ACMG Guidelines, 2015. Collection method: clinical testing. Allele origin: germline.

Baylor Genetics
Classification: Pathogenic for Nephropathic cystinosis. Last evaluated: 2024-03-12. Review status: criteria provided, single submitter. Criteria: ACMG Guidelines, 2015. Collection method: clinical testing. Allele origin: unknown.

Rady Children's Institute for Genomic Medicine, Rady Children's Hospital San Diego
Classification: Pathogenic for CYSTINOSIS. Last evaluated: 2024-03-11. Review status: criteria provided, single submitter. Criteria: ACMG Guidelines, 2015. Collection method: clinical testing. Allele origin: germline. Affected: yes.
Comment: The c.1015G>A (p.Gly339Arg) variant affects a highly conserved amino acid and is predicted by multiple in silico tools to have a deleterious effect on protein function. This variant has been previously reported as a compound heterozygous and homozygous change in individuals with cystinosis (PMID: 9792862, 15128704, 11565547, 28276207, 31570786, 35571017, 12204010, 28983406). The c.1015G>A (p.Gly339Arg) variant is located in the seventh transmembrane domain, which is a known hotspot domain for pathogenic variations associated with nephropathic cystinosis (PMID: 15128704). Functional studies indicate this variant leads to altered subcellular localization of cystinosin and abolished cystine transport (PMID: 15128704, 28983406). The c.1015G>A (p.Gly339Arg) variant is present in the heterozygous state in the gnomAD v4 population database at a frequency of 0.003% (48/1614118), and is absent in the homozygous state, thus is presumed to be rare. Based on the available evidence, c.1015G>A (p.Gly339Arg) is classified as Pathogenic.

Cellular and Molecular Research Center, Cellular and Molecular Medicine Research Institute,, Urmia University of Medical Sciences
Classification: Pathogenic for Nephropathic cystinosis. Last evaluated: 2023-09-03. Review status: criteria provided, single submitter. Criteria: ACMG Guidelines, 2015. Collection method: clinical testing. Allele origin: inherited. Inheritance: Autosomal recessive inheritance. Affected: yes.
Comment: In-Silico PredictorsPP3: Pathogenic Strong

3billion
Classification: Pathogenic for Nephropathic cystinosis. Last evaluated: 2023-02-23. Review status: criteria provided, single submitter. Criteria: ACMG Guidelines, 2015. Collection method: clinical testing. Allele origin: unknown. Affected: yes.
Comment: The variant is observed at an extremely low frequency in the gnomAD v2.1.1 dataset (total allele frequency: 0.004%). Protein truncation variants are a common disease-causing mechanism. Functional studies provide strong evidence of the variant having a damaging effect on the gene or gene product (PMID: 12204010). In silico tool predictions suggest damaging effect of the variant on gene or gene product (REVEL: 0.97; 3Cnet: 0.94). Same nucleotide change resulting in same amino acid change has been previously reported as pathogenic/likely pathogenic with strong evidence (ClinVar ID: VCV000004455). Therefore, this variant is classified as Pathogenic according to the recommendation of ACMG/AMP guideline.

Laboratory for Molecular Medicine, Mass General Brigham Personalized Medicine
Classification: Pathogenic for Cystinosis. Last evaluated: 2023-02-02. Review status: criteria provided, single submitter. Criteria: ACMG Guidelines, 2015. Collection method: clinical testing. Allele origin: germline.
Comment: The p.Gly339Arg variant in CTNS has been reported in >10 individuals with cystinosis and segregated with disease in 2 families (Shotelersuk 1998 PMID: 9792862, Rupar 2001 PMID: 11565547, Kalatzis 2002 PMID: 12442267, Kalatzis 2004 PMID: 15128704, Savostyanov 2022 PMID: 35571017). It was also identified in 0.006% (4/68046) of European chromosomes by gnomAD, v.3, and is reported in ClinVar (Variation ID 4455). In vitro funtional studies support an impact on protein function, and leukocyte cystine levels measured in patients were markedly increased (Shotelersuk 1998 PMID: 9792862, Kalatzis 2002 PMID: 12442267, Kalatzis 2004 PMID: 15128704). Computational prediction tools and conservation analysis suggest that this variant may impact the protein. In summary, this variant meets criteria to be classified as pathogenic for autosomal recessive cystinosis. ACMG/AMP criteria applied: PM3_VeryStrong , PS3, PP1_Moderate, PP3, PP4, PM2_Supporting.

Women's Health and Genetics/Laboratory Corporation of America, LabCorp
Classification: Pathogenic for Cystinosis. Last evaluated: 2019-09-16. Review status: criteria provided, single submitter. Criteria: LabCorp Variant Classification Summary - May 2015. Collection method: clinical testing. Allele origin: germline.
Comment: Variant summary: CTNS c.1015G>A (p.Gly339Arg) results in a non-conservative amino acid change in the encoded protein sequence. Five of five in-silico tools predict a damaging effect of the variant on protein function. The variant allele was found at a frequency of 3.2e-05 in 251256 control chromosomes (gnomAD). c.1015G>A has been reported in the literature in multiple compound heterozygote and homozygote individuals affected with Cystinosis (eg- Mason_2003, Rupar_2001). These data indicate that the variant is very likely to be associated with disease. A ClinVar submission (evaluation after 2014) cites the variant as pathogenic. Based on the evidence outlined above, the variant was classified as pathogenic.

PreventionGenetics, part of Exact Sciences
Classification: Pathogenic for CTNS-related condition. Last evaluated: 2024-09-23. Review status: no assertion criteria provided. Collection method: clinical testing. Allele origin: germline. Not counted in ClinVar's aggregate classification.
Comment: The CTNS c.1015G>A variant is predicted to result in the amino acid substitution p.Gly339Arg. This variant has been reported in the homozygous or compound heterozygous state with a second causative CTNS variant in multiple cystinosis patients (Attard et al. 1999. PubMed ID: 10556299; Rupar et al. 2001. PubMed ID: 11565547; Shahkarami et al. 2013. PubMed ID: 23640116; Soliman et al. 2014. PubMed ID: 24464559). The p.Gly339 amino acid is located in the seventh transmembrane domain of the cystinosin protein, and in an in vitro functional study this substitution was reported to abolish cysteine transport (Kalatzis et al. 2004. PubMed ID: 15128704). This variant is reported in 0.0062% of alleles in individuals of European (Non-Finnish) descent in gnomAD. This variant is interpreted as pathogenic.

Counsyl
Classification: Pathogenic for Nephropathic cystinosis. Last evaluated: 2016-09-09. Review status: no assertion criteria provided. Collection method: clinical testing. Allele origin: unknown. Not counted in ClinVar's aggregate classification.

OMIM
Classification: Pathogenic for CYSTINOSIS, NEPHROPATHIC. Last evaluated: 2001-09-01. Review status: no assertion criteria provided. Collection method: literature only. Allele origin: germline. Not counted in ClinVar's aggregate classification.

Literature cited by the submitters: PubMed 35571017 (cited by Natera, Inc.); PubMed 11565547 (cited by 4 submitters); PubMed 12204010 (cited by 3 submitters); PubMed 12825071 (cited by 3 submitters); PubMed 21786142 (cited by Labcorp Genetics (formerly Invitae), Labcorp and Counsyl); PubMed 23640116 (cited by Labcorp Genetics (formerly Invitae), Labcorp); PubMed 15128704 (cited by Labcorp Genetics (formerly Invitae), Labcorp and Counsyl); PubMed 24464559 (cited by Counsyl); PubMed 10556299 (cited by Counsyl); PubMed 12442267 (cited by Counsyl); PubMed 9792862 (cited by Counsyl); PubMed 19863563 (cited by Counsyl).